The following is an entry in ClinVar:

ClinVar aggregate classification (germline): Uncertain significance (1 of 4 stars; one submission).

Allele frequency attached by ClinVar (database versions not stated): gnomAD exomes below 0.00001.
gnomAD v4.1: 1 of 1,613,712 alleles (0.000062%); highest among the groups gnomAD compares: Non-Finnish European, 0.000085%; no homozygotes.

Submission:

Labcorp Genetics (formerly Invitae), Labcorp
Classification: Uncertain significance. Last evaluated: 2022-07-25. Review status: criteria provided, single submitter. Criteria: Invitae Variant Classification Sherloc (09022015). Collection method: clinical testing. Allele origin: germline.
Comment: This variant has not been reported in the literature in individuals affected with COQ8A-related conditions. This variant is not present in population databases (gnomAD no frequency). This sequence change replaces valine, which is neutral and non-polar, with leucine, which is neutral and non-polar, at codon 300 of the COQ8A protein (p.Val300Leu). In summary, the available evidence is currently insufficient to determine the role of this variant in disease. Therefore, it has been classified as a Variant of Uncertain Significance. Advanced modeling of protein sequence and biophysical properties (such as structural, functional, and spatial information, amino acid conservation, physicochemical variation, residue mobility, and thermodynamic stability) performed at Invitae indicates that this missense variant is expected to disrupt COQ8A protein function.

NM_020247.5(COQ8A):c.898G>T (p.Val300Leu)

Gene: COQ8A (coenzyme Q8A; plus strand). Cytogenetic location: 1q42.13.
Variant type: single nucleotide variant.
Coding change: c.898G>T on transcript NM_020247.5 (MANE Select); coding-DNA position 898, G replaced by T.
Protein change: p.Val300Leu; replaces valine 300 with leucine.
Molecular consequence: missense variant.
Genome position (GRCh38, 1-based): chr1:226,982,722, G>T. VCF-style: chr1-226982722-G-T. GRCh37 (hg19) VCF-style: chr1-227170423-G-T.
Other names: short protein forms V300L.
Identifiers: ClinVar variation 2000028 (VCV002000028.4), dbSNP rs1485270021, ClinGen allele CA345052330.